The following is an entry in ClinVar:

NM_000444.6(PHEX):c.1769-1G>C

Genes: PHEX (phosphate regulating endopeptidase X-linked; plus strand), PTCHD1-AS (PTCHD1 and PHEX antisense RNA; minus strand). Cytogenetic location: Xp22.11.
Variant type: single nucleotide variant.
Coding change: c.1769-1G>C on transcript NM_000444.6 (MANE Select); the canonical splice acceptor site of the intron before coding-DNA position 1769, G replaced by C.
Molecular consequence: splice acceptor variant.
Genome position (GRCh38, 1-based): chrX:22,221,612, G>C. VCF-style: chrX-22221612-G-C. GRCh37 (hg19) VCF-style: chrX-22239729-G-C.
Other names: c.1769-1G>C (NM_001282754.2).
Identifiers: ClinVar variation 1202481 (VCV001202481.11), dbSNP rs1602405079, ClinGen allele CA412573413.

ClinVar aggregate classification (germline): Pathogenic. Review status: criteria provided, multiple submitters, no conflicts (2 of 4 stars). 4 submissions from 4 submitters: Pathogenic (4). Last evaluated 2023-03-03.

Conditions:
Chondrodysplasia. Identifiers: MedGen C0343284, MONDO:0022723.
Familial X-linked hypophosphatemic vitamin D refractory rickets (XLHRD). Also called: X-Linked Hypophosphatemia; Hypophosphatemia, vitamin D-resistant rickets; Vitamin D-resistant rickets, X-linked; HYPOPHOSPHATEMIC VITAMIN D-RESISTANT RICKETS; Hypophosphatemic Rickets, X-Linked Dominant. Identifiers: Orphanet 89936, MedGen C0733682, MONDO:0010619, OMIM 307800.

Submissions (4):

Labcorp Genetics (formerly Invitae), Labcorp
Classification: Pathogenic. Last evaluated: 2023-03-03. Review status: criteria provided, single submitter. Criteria: Invitae Variant Classification Sherloc (09022015). Collection method: clinical testing. Allele origin: germline.
Comment: For these reasons, this variant has been classified as Pathogenic. Studies have shown that disruption of this splice site is associated with altered splicing resulting in an unknown protein product impact (PMID: 31102713). ClinVar contains an entry for this variant (Variation ID: 1202481). Disruption of this splice site has been observed in individual(s) with hypophosphatemia (PMID: 21050253, 32257293). It has also been observed to segregate with disease in related individuals. This variant is not present in population databases (gnomAD no frequency). This sequence change affects an acceptor splice site in intron 17 of the PHEX gene. It is expected to disrupt RNA splicing. Variants that disrupt the donor or acceptor splice site typically lead to a loss of protein function (PMID: 16199547), and loss-of-function variants in PHEX are known to be pathogenic (PMID: 9097956, 9106524, 19219621).

Mendelics
Classification: Pathogenic for Familial X-linked hypophosphatemic vitamin D refractory rickets. Last evaluated: 2022-05-04. Review status: criteria provided, single submitter. Criteria: Mendelics Assertion Criteria 2019. Collection method: clinical testing. Allele origin: germline.

AURAGEN, Plan France Médecine Génomique
Classification: Pathogenic for Chondrodysplasia. Last evaluated: 2021-09-29. Review status: criteria provided, single submitter. Criteria: PFMG2025 (Lancet Reg Health Eur. 2025). Collection method: clinical testing. Allele origin: germline. Affected: yes.

GeneDx
Classification: Pathogenic. Last evaluated: 2021-06-02. Review status: criteria provided, single submitter. Criteria: GeneDx Variant Classification Process June 2021. Collection method: clinical testing. Allele origin: germline. Affected: yes.
Comment: Canonical splice site variant predicted to result in a null allele in a gene for which loss-of-function is a known mechanism of disease; Not observed at significant frequency in large population cohorts (Lek et al., 2016); This variant is associated with the following publications: (PMID: 27535533, 31102713, 30682568, 21050253)

Literature cited by the submitters: PubMed 31102713 (cited by Labcorp Genetics (formerly Invitae), Labcorp); PubMed 21050253 (cited by Labcorp Genetics (formerly Invitae), Labcorp); PubMed 32257293 (cited by Labcorp Genetics (formerly Invitae), Labcorp); PubMed 16199547 (cited by Labcorp Genetics (formerly Invitae), Labcorp); PubMed 9097956 (cited by Labcorp Genetics (formerly Invitae), Labcorp); PubMed 9106524 (cited by Labcorp Genetics (formerly Invitae), Labcorp); PubMed 19219621 (cited by Labcorp Genetics (formerly Invitae), Labcorp).